The following is an entry in ClinVar:

ClinVar aggregate classification (germline): Uncertain significance (1 of 4 stars; one submission).

Submission:

Women's Health and Genetics/Laboratory Corporation of America, LabCorp
Classification: Uncertain significance. Last evaluated: 2025-03-24. Review status: criteria provided, single submitter. Criteria: LabCorp Variant Classification Summary - May 2015. Collection method: clinical testing. Allele origin: germline.
Comment: Variant summary: STX1B c.*7C>G is located in the untranslated mRNA region downstream of the termination codon. The variant allele was found at a frequency of 4.1e-06 in 246606 control chromosomes (gnomAD). The available data on variant occurrences in the general population are insufficient to allow any conclusion about variant significance. To our knowledge, no occurrence of c.*7C>G in individuals affected with Generalized Epilepsy With Febrile Seizures Plus, Type 9 and no experimental evidence demonstrating its impact on protein function have been reported. No submitters have cited clinical-significance assessments for this variant to ClinVar. Based on the evidence outlined above, the variant was classified as uncertain significance.

NM_052874.5(STX1B):c.*7C>G

Gene: STX1B (syntaxin 1B; minus strand). Cytogenetic location: 16p11.2.
Variant type: single nucleotide variant.
Coding change: c.*7C>G on transcript NM_052874.5 (MANE Select); 7 bases downstream of the stop codon, C replaced by G.
Molecular consequence: 3 prime UTR variant.
Genome position (GRCh38, 1-based): chr16:30,992,814, G>C on the plus strand (C>G on the coding strand, the complement: STX1B is on the minus strand). VCF-style: chr16-30992814-G-C. GRCh37 (hg19) VCF-style: chr16-31004135-G-C.
Identifiers: ClinVar variation 3895990 (VCV003895990.1).